The following is an entry in ClinVar:

NM_000543.5(SMPD1):c.1764G>A (p.Thr588=)

Gene: SMPD1 (sphingomyelin phosphodiesterase 1; plus strand). Cytogenetic location: 11p15.4.
Variant type: single nucleotide variant.
Coding change: c.1764G>A on transcript NM_000543.5 (MANE Select); coding-DNA position 1764, G replaced by A.
Protein change: p.Thr588=; no amino-acid change (threonine 588 retained).
Molecular consequence: synonymous variant. On other transcripts: 3 prime UTR variant (1), non-coding transcript variant (2).
Genome position (GRCh38, 1-based): chr11:6,394,475, G>A. VCF-style: chr11-6394475-G-A. GRCh37 (hg19) VCF-style: chr11-6415705-G-A.
Other names: c.1761G>A, p.Thr587= (NM_001007593.3); c.*257G>A (NM_001318087.2); c.843G>A, p.Thr281= (NM_001318088.2); c.1632G>A, p.Thr544= (NM_001365135.2); c.1764G>A (NM_000543.4).
Identifiers: ClinVar variation 1085815 (VCV001085815.12), dbSNP rs774989668, ClinGen allele CA5852985.

ClinVar aggregate classification (germline): Likely benign. Review status: criteria provided, single submitter (1 of 4 stars). 3 submissions from 3 submitters: Likely benign (1). 2 of the submissions do not count toward it. Last evaluated 2024-01-18.

Conditions:
Niemann-Pick disease, type B. Also called: Chronic Visceral ASMD (Niemann-Pick Disease Type B; NPD-B). Identifiers: Orphanet 77293, MedGen C0268243, MONDO:0011871, OMIM 607616. Disease mechanism: loss of function.
Niemann-Pick disease, type A. Also called: Infantile Neurovisceral ASMD (Niemann-Pick Disease Type A; NPD-A); SPHINGOMYELIN LIPIDOSIS; SPHINGOMYELINASE DEFICIENCY. Identifiers: Orphanet 77292, MedGen C0268242, MONDO:0009756, OMIM 257200. Disease mechanism: loss of function.
SMPD1-related disorder. Also called: SMPD1-related condition.

Allele frequency attached by ClinVar (database versions not stated): gnomAD exomes 0.00001 and 0.00002; ExAC 0.00004; TOPMed 0.00004; gnomAD 0.00005 and 0.00006.

Submissions (3):

Labcorp Genetics (formerly Invitae), Labcorp
Classification: Likely benign for Niemann-Pick disease, type B; Niemann-Pick disease, type A. Last evaluated: 2024-01-18. Review status: criteria provided, single submitter. Criteria: Invitae Variant Classification Sherloc (09022015). Collection method: clinical testing. Allele origin: germline.

PreventionGenetics, part of Exact Sciences
Classification: Likely benign for SMPD1-related condition. Last evaluated: 2021-10-06. Review status: no assertion criteria provided. Collection method: clinical testing. Allele origin: germline. Not counted in ClinVar's aggregate classification.
Comment: This variant is classified as likely benign based on ACMG/AMP sequence variant interpretation guidelines (Richards et al. 2015 PMID: 25741868, with internal and published modifications).

Natera, Inc.
Classification: Likely benign for Niemann-Pick Disease, Types A/B. Last evaluated: 2021-08-26. Review status: no assertion criteria provided. Collection method: clinical testing. Allele origin: germline. Not counted in ClinVar's aggregate classification.